The following is an entry in ClinVar:

NM_013432.5(TONSL):c.3691G>A (p.Gly1231Ser)

Gene: TONSL (tonsoku like, DNA repair protein; minus strand). Cytogenetic location: 8q24.3.
Variant type: single nucleotide variant.
Coding change: c.3691G>A on transcript NM_013432.5 (MANE Select); coding-DNA position 3691, G replaced by A.
Protein change: p.Gly1231Ser; replaces glycine 1231 with serine.
Molecular consequence: missense variant.
Genome position (GRCh38, 1-based): chr8:144,432,329, C>T on the plus strand (G>A on the coding strand, the complement: TONSL is on the minus strand). VCF-style: chr8-144432329-C-T. GRCh37 (hg19) VCF-style: chr8-145657712-C-T.
Other names: short protein forms G1231S.
Identifiers: ClinVar variation 1989813 (VCV001989813.5), dbSNP rs782387809, ClinGen allele CA4942409.
Genomic context (GRCh38, chr8:144,432,329, plus strand): 5'-CTTCCCCACCTCGTACCTTGGCCAGGTATCGGAATACAGGCTCCATGAGGTCCGAATCAC[C>T]CTTGCCGGCTGCCACGGAGCTGAGCTCTAAGTGCAGGAGGGTGCCGGCGGGCAGGCTCTG-3'
Protein context (NP_038460.4, residues 1221-1241): LELSSVAAGK[Gly1231Ser]DSDLMEPVFR

ClinVar aggregate classification (germline): Conflicting classifications of pathogenicity. Review status: criteria provided, conflicting classifications (1 of 4 stars). 2 submissions from 2 submitters: Uncertain significance (1); Likely benign (1). Last evaluated 2024-12-10.

Allele frequency attached by ClinVar (database versions not stated): gnomAD exomes 0.00001; ExAC 0.00002.
gnomAD v4.1: 5 of 1,613,722 alleles (0.00031%); highest among the groups gnomAD compares: Non-Finnish European, 0.00034%; no homozygotes.

Submissions (2):

Labcorp Genetics (formerly Invitae), Labcorp
Classification: Uncertain significance. Last evaluated: 2024-12-10. Review status: criteria provided, single submitter. Criteria: Invitae Variant Classification Sherloc (09022015). Collection method: clinical testing. Allele origin: germline.
Comment: This sequence change replaces glycine, which is neutral and non-polar, with serine, which is neutral and polar, at codon 1231 of the TONSL protein (p.Gly1231Ser). This variant is present in population databases (rs782387809, gnomAD 0.002%). This variant has not been reported in the literature in individuals affected with TONSL-related conditions. ClinVar contains an entry for this variant (Variation ID: 1989813). Invitae Evidence Modeling of protein sequence and biophysical properties (such as structural, functional, and spatial information, amino acid conservation, physicochemical variation, residue mobility, and thermodynamic stability) indicates that this missense variant is not expected to disrupt TONSL protein function with a negative predictive value of 80%. In summary, the available evidence is currently insufficient to determine the role of this variant in disease. Therefore, it has been classified as a Variant of Uncertain Significance.

Blueprint Genetics
Classification: Likely benign. Last evaluated: 2022-03-18. Review status: criteria provided, single submitter. Criteria: ACMG Guidelines, 2015. Collection method: clinical testing. Allele origin: germline.